The following is an entry in ClinVar:

NM_177438.3(DICER1):c.4553_4554del (p.Val1518fs)

Gene: DICER1 (dicer 1, ribonuclease III; minus strand). Cytogenetic location: 14q32.13.
Variant type: Deletion.
Coding change: c.4553_4554del on transcript NM_177438.3 (MANE Select); coding-DNA positions 4553 to 4554, 2 bases deleted (TT; older notation c.4553_4554delTT).
Protein change: p.Val1518fs; shifts the reading frame from valine 1518.
Molecular consequence: frameshift variant.
Genome position (GRCh38, 1-based): chr14:95,096,366-95,096,367, AA deleted on the plus strand (TT on the coding strand, the reverse complement: DICER1 is on the minus strand). VCF-style (leftmost placement, unchanged base first): chr14-95096365-CAA-C. GRCh37 (hg19) VCF-style: chr14-95562702-CAA-C.
Other names: c.4553_4554del, p.Val1518fs (NM_001195573.1, NM_001271282.3, NM_001291628.2 and 1 more transcripts); short protein forms V1518fs.
Identifiers: ClinVar variation 1423848 (VCV001423848.7), dbSNP rs2139848275, ClinGen allele CA2573150298.

ClinVar aggregate classification (germline): Pathogenic (1 of 4 stars; one submission).

Conditions:
DICER1-related tumor predisposition. Also called: DICER1-related pleuropulmonary blastoma cancer predisposition syndrome; DICER1 syndrome. Identifiers: Orphanet 284343, MedGen C3839822, MONDO:0100216.

Submission:

Labcorp Genetics (formerly Invitae), Labcorp
Classification: Pathogenic for DICER1-related tumor predisposition. Last evaluated: 2020-12-31. Review status: criteria provided, single submitter. Criteria: Invitae Variant Classification Sherloc (09022015). Collection method: clinical testing. Allele origin: germline.
Comment: For these reasons, this variant has been classified as Pathogenic. This variant has not been reported in the literature in individuals with DICER1-related conditions. This variant is not present in population databases (ExAC no frequency). This sequence change creates a premature translational stop signal (p.Val1518Glyfs*4) in the DICER1 gene. It is expected to result in an absent or disrupted protein product. Loss-of-function variants in DICER1 are known to be pathogenic (PMID: 19556464, 21266384).

Literature cited by the submitters: PubMed 19556464; PubMed 21266384.